The following is an entry in ClinVar:

ClinVar aggregate classification (germline): Likely benign (1 of 4 stars; one submission).

Allele frequency attached by ClinVar (database versions not stated): 1000 Genomes Project 30x 0.00312; 1000 Genomes Project 0.00319; TOPMed 0.00609; gnomAD 0.00619; ExAC 0.00646; gnomAD exomes 0.00704.
gnomAD v4.1: 11,309 of 1,612,350 alleles (0.7%); highest among the groups gnomAD compares: Middle Eastern, 0.79%; 53 homozygotes.

Submission:

CeGaT Center for Human Genetics Tuebingen
Classification: Likely benign. Last evaluated: 2022-07-01. Review status: criteria provided, single submitter. Criteria: CeGaT Center For Human Genetics Tuebingen Variant Classification Criteria Version 2. Collection method: clinical testing. Allele origin: germline. Affected: yes. Observed: 1 variant allele.
Comment: TRAPPC2B: BP4, BP7

NM_001355204.2(TRAPPC2B):c.189T>C (p.Thr63=)

Genes: TRAPPC2B (trafficking protein particle complex subunit 2B; plus strand), ZNF547 (zinc finger protein 547; plus strand). Cytogenetic location: 19q13.43.
Variant type: single nucleotide variant.
Coding change: c.189T>C on transcript NM_001355204.2 (MANE Select); coding-DNA position 189, T replaced by C.
Protein change: p.Thr63=; no amino-acid change (threonine 63 retained).
Molecular consequence: synonymous variant. On other transcripts: intron variant (1).
Genome position (GRCh38, 1-based): chr19:57,365,022, T>C. VCF-style: chr19-57365022-T-C. GRCh37 (hg19) VCF-style: chr19-57876390-T-C.
Other names: c.-13+1319T>C (NM_173631.4).
Identifiers: ClinVar variation 2650570 (VCV002650570.24), dbSNP rs184372842, ClinGen allele CA9697708.